The following is an entry in ClinVar:

NM_016203.4(PRKAG2):c.1678+121T>A

Gene: PRKAG2 (protein kinase AMP-activated non-catalytic subunit gamma 2; minus strand). Cytogenetic location: 7q36.1.
Variant type: single nucleotide variant.
Coding change: c.1678+121T>A on transcript NM_016203.4 (MANE Select); 121 bases into the intron after coding-DNA position 1678, T replaced by A.
Molecular consequence: intron variant.
Genome position (GRCh38, 1-based): chr7:151,560,403, A>T on the plus strand (T>A on the coding strand, the complement: PRKAG2 is on the minus strand). VCF-style: chr7-151560403-A-T. GRCh37 (hg19) VCF-style: chr7-151257489-A-T.
Other names: c.1546+121T>A (NM_001040633.2); c.1303+121T>A (NM_001304527.2); c.1306+121T>A (NM_001363698.2); c.955+121T>A (NM_001304531.2, NM_024429.2); c.1678+121T>A (NM_016203.3).
Identifiers: ClinVar variation 1676090 (VCV001676090.35), dbSNP rs117835127, ClinGen allele CA055792.
Genomic context (GRCh38, chr7:151,560,403, plus strand): 5'-CACTCACGCAGAACACTTAAACTTCCCAACTGAAGAGAAAACGAAAATGGTTTCAAAGTA[A>T]TATACTCAAAGCCTTGATCTGTAGGTGGGTGGAGAAATGATGGTTTAAATGCTGCACTTC-3'

ClinVar aggregate classification (germline): Benign/Likely benign. Review status: criteria provided, multiple submitters, no conflicts (2 of 4 stars). 3 submissions from 3 submitters: Benign (2); Likely benign (1). Last evaluated 2025-04-09.

Allele frequency attached by ClinVar (database versions not stated): 1000 Genomes Project 0.00260; 1000 Genomes Project 30x 0.00297; TOPMed 0.00592; gnomAD exomes 0.00634 and 0.00943; gnomAD 0.00658; ExAC 0.01291.
gnomAD v4.1: 14,475 of 1,598,594 alleles (0.91%); highest among the groups gnomAD compares: Non-Finnish European, 1.1%; 80 homozygotes.

Submissions (3):

Molecular Diagnostic Laboratory for Inherited Cardiovascular Disease, Montreal Heart Institute
Classification: Benign. Last evaluated: 2025-04-09. Review status: criteria provided, single submitter. Criteria: ACMG Guidelines, 2015. Collection method: clinical testing. Allele origin: germline. Affected: no.

CeGaT Center for Human Genetics Tuebingen
Classification: Benign. Last evaluated: 2023-03-01. Review status: criteria provided, single submitter. Criteria: CeGaT Center For Human Genetics Tuebingen Variant Classification Criteria Version 2. Collection method: clinical testing. Allele origin: germline. Affected: yes. Observed: 12 variant alleles.
Comment: PRKAG2: BS1, BS2

Breakthrough Genomics
Classification: Likely benign. Review status: criteria provided, single submitter. Criteria: ACMG Guidelines, 2015. Collection method: not provided. Allele origin: germline. Inheritance: Autosomal dominant inheritance. Affected: yes.